The following is an entry in ClinVar:

ClinVar aggregate classification (germline): Likely pathogenic (1 of 4 stars; one submission).

Conditions:
Encephalopathy-hypertrophic cardiomyopathy-renal tubular disease syndrome. Identifiers: Orphanet 319678, MedGen C3553374, MONDO:0013840, OMIM 614654.

Submission:

Women's Health and Genetics/Laboratory Corporation of America, LabCorp
Classification: Likely pathogenic for Encephalopathy-hypertrophic cardiomyopathy-renal tubular disease syndrome. Last evaluated: 2025-01-27. Review status: criteria provided, single submitter. Criteria: LabCorp Variant Classification Summary - May 2015. Collection method: clinical testing. Allele origin: germline.
Comment: Variant summary: COQ9 c.242+2T>G is located in a canonical splice-site and is predicted to affect mRNA splicing resulting in a significantly altered protein due to either exon skipping, shortening, or inclusion of intronic material. Variants that disrupt the consensus splice site are a relatively common cause of aberrant splicing and loss of COQ9 function. Several computational tools predict a significant impact on normal splicing: Four predict the variant abolishes a 5' splicing donor site. However, these predictions have yet to be confirmed by functional studies. The variant was absent in 251452 control chromosomes (gnomAD). To our knowledge, no occurrence of c.242+2T>G in individuals affected with Coenzyme Q10 Deficiency, Primary, 5 and no experimental evidence demonstrating its impact on protein function have been reported. No submitters have cited clinical-significance assessments for this variant to ClinVar. Based on the evidence outlined above, the variant was classified as likely pathogenic.

NM_020312.4(COQ9):c.242+2T>G

Gene: COQ9 (coenzyme Q9; plus strand). Cytogenetic location: 16q21.
Variant type: single nucleotide variant.
Coding change: c.242+2T>G on transcript NM_020312.4 (MANE Select); the canonical splice donor site of the intron after coding-DNA position 242, T replaced by G.
Molecular consequence: splice donor variant.
Genome position (GRCh38, 1-based): chr16:57,451,210, T>G. VCF-style: chr16-57451210-T-G. GRCh37 (hg19) VCF-style: chr16-57485122-T-G.
Identifiers: ClinVar variation 3769405 (VCV003769405.2).